The following is an entry in ClinVar:

NM_198525.3(KIF7):c.2692T>C (p.Ser898Pro)

Gene: KIF7 (kinesin family member 7; minus strand). Cytogenetic location: 15q26.1.
Variant type: single nucleotide variant.
Coding change: c.2692T>C on transcript NM_198525.3 (MANE Select); coding-DNA position 2692, T replaced by C.
Protein change: p.Ser898Pro; replaces serine 898 with proline.
Molecular consequence: missense variant.
Genome position (GRCh38, 1-based): chr15:89,633,167, A>G on the plus strand (T>C on the coding strand, the complement: KIF7 is on the minus strand). VCF-style: chr15-89633167-A-G. GRCh37 (hg19) VCF-style: chr15-90176398-A-G.
Other names: c.2692T>C (NM_198525.2); short protein forms S898P.
Identifiers: ClinVar variation 2041548 (VCV002041548.3), dbSNP rs927320562, ClinGen allele CA274568484.
Genomic context (GRCh38, chr15:89,633,167, plus strand): 5'-GGGAGCCCTGGGTGCGGACACAGCCTGGCCCCACCTGCTGCTGTTCCAGGCTGACCACAG[A>G]GCCGTTGCTGCCACTGCGCCTCTTCCTCTGGAATGCCGCGATCTCTTCCGTCTTAATCTT-3'
Protein context (NP_940927.2, residues 888-908): QRKRRSGSNG[Ser898Pro]VVSLEQQQKI

ClinVar aggregate classification (germline): Uncertain significance. Review status: criteria provided, multiple submitters, no conflicts (2 of 4 stars). 3 submissions from 3 submitters: Uncertain significance (3). Last evaluated 2024-08-12.

Conditions:
Inborn genetic diseases. Identifiers: MedGen C0950123, MeSH D030342.
Acrocallosal syndrome (ACLS). Also called: Schinzel syndrome 1; Absence of corpus callosum with unusual facial appearance, mental deficiency, duplication of the halluces and polydactyly; HALLUX DUPLICATION, POSTAXIAL POLYDACTYLY, AND ABSENCE OF CORPUS CALLOSUM. Identifiers: Orphanet 36, MedGen C0796147, MONDO:0008708, OMIM 200990.
Multiple epiphyseal dysplasia, Al-Gazali type. Also called: Macrocephaly with multiple epiphyseal dysplasia and distinctive facies. Identifiers: Orphanet 166024, MedGen C1846722, MONDO:0011778, OMIM 607131.
Hydrolethalus syndrome 2 (HLS2). Identifiers: Orphanet 2189, MedGen C3279899, MONDO:0013585, OMIM 614120.

Allele frequency attached by ClinVar (database versions not stated): gnomAD exomes 0.00001; gnomAD 0.00006; TOPMed 0.00008.
gnomAD v4.1: 19 of 1,604,016 alleles (0.0012%); highest among the groups gnomAD compares: Admixed American, 0.01%; no homozygotes.

Submissions (3):

Ambry Genetics
Classification: Uncertain significance for Inborn genetic diseases. Last evaluated: 2024-08-12. Review status: criteria provided, single submitter. Criteria: Ambry Variant Classification Scheme 2023. Collection method: clinical testing. Allele origin: germline.

Fulgent Genetics
Classification: Uncertain significance for Acrocallosal syndrome; Multiple epiphyseal dysplasia, Al-Gazali type; Hydrolethalus syndrome 2. Last evaluated: 2024-01-22. Review status: criteria provided, single submitter. Criteria: ACMG Guidelines, 2015. Collection method: clinical testing. Allele origin: germline.

Labcorp Genetics (formerly Invitae), Labcorp
Classification: Uncertain significance for Acrocallosal syndrome. Last evaluated: 2022-07-21. Review status: criteria provided, single submitter. Criteria: Invitae Variant Classification Sherloc (09022015). Collection method: clinical testing. Allele origin: germline.
Comment: This sequence change replaces serine, which is neutral and polar, with proline, which is neutral and non-polar, at codon 898 of the KIF7 protein (p.Ser898Pro). This variant is present in population databases (no rsID available, gnomAD 0.01%). This variant has not been reported in the literature in individuals affected with KIF7-related conditions. Algorithms developed to predict the effect of missense changes on protein structure and function are either unavailable or do not agree on the potential impact of this missense change (SIFT: "Deleterious"; PolyPhen-2: "Benign"; Align-GVGD: "Class C0"). In summary, the available evidence is currently insufficient to determine the role of this variant in disease. Therefore, it has been classified as a Variant of Uncertain Significance.